The following is an entry in ClinVar:

NM_001042492.3(NF1):c.5719T>C (p.Phe1907Leu)

Gene: NF1 (neurofibromin 1; plus strand). Cytogenetic location: 17q11.2.
Variant type: single nucleotide variant.
Coding change: c.5719T>C on transcript NM_001042492.3 (MANE Select); coding-DNA position 5719, T replaced by C.
Protein change: p.Phe1907Leu; replaces phenylalanine 1907 with leucine.
Molecular consequence: missense variant.
Genome position (GRCh38, 1-based): chr17:31,330,405, T>C. VCF-style: chr17-31330405-T-C. GRCh37 (hg19) VCF-style: chr17-29657423-T-C.
Other names: c.5656T>C, p.Phe1886Leu (NM_000267.4); short protein forms F1886L, F1907L.
Identifiers: ClinVar variation 232872 (VCV000232872.11), dbSNP rs876660040, ClinGen allele CA10580356.

ClinVar aggregate classification (germline): Uncertain significance. Review status: criteria provided, multiple submitters, no conflicts (2 of 4 stars). 4 submissions from 3 submitters: Uncertain significance (4). Last evaluated 2022-03-15.

Conditions:
Cardiovascular phenotype. Identifiers: MedGen CN230736.
Hereditary cancer-predisposing syndrome. Also called: Hereditary Cancer Syndrome; Neoplastic Syndromes, Hereditary; Tumor predisposition; Hereditary neoplastic syndrome. Identifiers: Orphanet 140162, MedGen C0027672, MeSH D009386, MONDO:0015356.
Neurofibromatosis, type 1 (NF1). Also called: Neurofibromatosis, type I; VON RECKLINGHAUSEN DISEASE; NEUROFIBROMATOSIS, TYPE I, SOMATIC; Peripheral type neurofibromatosis. Identifiers: Orphanet 636, MedGen C0027831, MONDO:0018975, OMIM 162200. Disease mechanism: loss of function.

Submissions (4):

Genome-Nilou Lab
Classification: Uncertain significance for Neurofibromatosis, type 1. Last evaluated: 2022-03-15. Review status: criteria provided, single submitter. Criteria: ACMG Guidelines, 2015. Collection method: clinical testing. Allele origin: germline. Affected: no.

Labcorp Genetics (formerly Invitae), Labcorp
Classification: Uncertain significance for Neurofibromatosis, type 1. Last evaluated: 2021-09-01. Review status: criteria provided, single submitter. Criteria: Invitae Variant Classification Sherloc (09022015). Collection method: clinical testing. Allele origin: germline.
Comment: This sequence change replaces phenylalanine with leucine at codon 1886 of the NF1 protein (p.Phe1886Leu). The phenylalanine residue is moderately conserved and there is a small physicochemical difference between phenylalanine and leucine. This variant is not present in population databases (ExAC no frequency). This variant has not been reported in the literature in individuals affected with NF1-related conditions. ClinVar contains an entry for this variant (Variation ID: 232872). Algorithms developed to predict the effect of missense changes on protein structure and function are either unavailable or do not agree on the potential impact of this missense change (SIFT: "Deleterious"; PolyPhen-2: "Probably Damaging"; Align-GVGD: "Class C0"). In summary, the available evidence is currently insufficient to determine the role of this variant in disease. Therefore, it has been classified as a Variant of Uncertain Significance.

Ambry Genetics
Classification: Uncertain significance for Cardiovascular phenotype; Hereditary cancer-predisposing syndrome. Last evaluated: 2018-09-25. Review status: criteria provided, single submitter. Criteria: Ambry Variant Classification Scheme 2023. Collection method: clinical testing. Allele origin: germline.

Ambry Genetics
Classification: Uncertain significance for Hereditary cancer-predisposing syndrome. Last evaluated: 2015-07-08. Review status: criteria provided, single submitter. Criteria: Ambry Autosomal Dominant and X-Linked criteria (10/2015). Collection method: clinical testing. Allele origin: germline. Observed: 1 variant allele.
Comment: <span style="font-family:arial,helvetica,sans-serif"><span style="font-size:12px">The p.F1907L variant (also known as c.5719T>C), located in coding exon 39 of the NF1 gene, results from a T to C substitution at nucleotide position 5719. The phenylalanine at codon 1907 is replaced by leucine, an amino acid with highly similar properties. This variant was not reported in population based cohorts in the following databases: Database of Single Nucleotide Polymorphisms (dbSNP), NHLBI Exome Sequencing Project (ESP), and 1000 Genomes Project. In the ESP, this variant was not observed in 6503 samples (13006 alleles) with coverage at this position. This amino acid position is highly conserved in available vertebrate species. To date, this alteration has been detected with an allele frequency of approximately 0.002% (greater than 55000 alleles tested) in our clinical cohort.In addition, this alteration is predicted to be deleterious by in silico analysis.Since supporting evidence is limited at this time, the clinical significance of this variant remains unclear.